The following is an entry in ClinVar:

NM_000211.5(ITGB2):c.2080+6G>C

Gene: ITGB2 (integrin subunit beta 2; minus strand). Cytogenetic location: 21q22.3.
Variant type: single nucleotide variant.
Coding change: c.2080+6G>C on transcript NM_000211.5 (MANE Select); 6 bases into the intron after coding-DNA position 2080, G replaced by C.
Molecular consequence: intron variant.
Genome position (GRCh38, 1-based): chr21:44,888,687, C>G on the plus strand (G>C on the coding strand, the complement: ITGB2 is on the minus strand). VCF-style: chr21-44888687-C-G. GRCh37 (hg19) VCF-style: chr21-46308602-C-G.
Other names: c.2080+6G>C (NM_001127491.3); c.1873+6G>C (NM_001303238.2).
Identifiers: ClinVar variation 1348316 (VCV001348316.6), dbSNP rs1044311307, ClinGen allele CA321892406.

ClinVar aggregate classification (germline): Uncertain significance (1 of 4 stars; one submission).

Conditions:
Leukocyte adhesion deficiency 1 (LAD1). Also called: LEUKOCYTE ADHESION DEFICIENCY, TYPE I; LAD 1; Lymphocyte function-associated antigen 1 immunodeficiency; LFA 1 immunodeficiency. Identifiers: Orphanet 2968, Orphanet 99842, MedGen C0398738, MONDO:0007293, OMIM 116920.

Allele frequency attached by ClinVar (database versions not stated): gnomAD exomes below 0.00001.
gnomAD v4.1: 2 of 1,606,460 alleles (0.00012%); highest among the groups gnomAD compares: Admixed American, 0.0033%; no homozygotes.

Submission:

Labcorp Genetics (formerly Invitae), Labcorp
Classification: Uncertain significance for Leukocyte adhesion deficiency 1. Last evaluated: 2020-11-16. Review status: criteria provided, single submitter. Criteria: Invitae Variant Classification Sherloc (09022015). Collection method: clinical testing. Allele origin: germline.
Comment: This variant is not present in population databases (ExAC no frequency). This sequence change falls in intron 14 of the ITGB2 gene. It does not directly change the encoded amino acid sequence of the ITGB2 protein. It affects a nucleotide within the consensus splice site of the intron. This variant has not been reported in the literature in individuals with ITGB2-related conditions. In summary, the available evidence is currently insufficient to determine the role of this variant in disease. Therefore, it has been classified as a Variant of Uncertain Significance. Nucleotide substitutions within the consensus splice site are a relatively common cause of aberrant splicing (PMID: 17576681, 9536098). Algorithms developed to predict the effect of sequence changes on RNA splicing suggest that this variant is not likely to affect RNA splicing, but this prediction has not been confirmed by published transcriptional studies.

Literature cited by the submitters: PubMed 17576681; PubMed 9536098.